The following is an entry in ClinVar:

NM_000104.4(CYP1B1):c.243C>G (p.Tyr81Ter)

Gene: CYP1B1 (cytochrome P450 family 1 subfamily B member 1; minus strand). Cytogenetic location: 2p22.2.
Variant type: single nucleotide variant.
Coding change: c.243C>G on transcript NM_000104.4 (MANE Select); coding-DNA position 243, C replaced by G.
Protein change: p.Tyr81Ter; replaces tyrosine 81 with a stop codon.
Molecular consequence: nonsense.
Genome position (GRCh38, 1-based): chr2:38,075,146, G>C on the plus strand (C>G on the coding strand, the complement: CYP1B1 is on the minus strand). VCF-style: chr2-38075146-G-C. GRCh37 (hg19) VCF-style: chr2-38302289-G-C.
Other names: NM_000104.4(CYP1B1):c.243C>G; p.Tyr81Ter; short protein forms Y81*.
Identifiers: ClinVar variation 2734165 (VCV002734165.5), dbSNP rs72480437, ClinGen allele CA346329644.
Genomic context (GRCh38, chr2:38,075,146, plus strand): 5'-GCGCTCGCCATTCAGCACCACTATGGGGCAGCTGCCCAGGCGGATCTGGAAAACGTCGCC[G>C]TAGCGCCGCGCCAGGCGAGCGAACGAGAGGTGAGCCGCCTGGCCCACCGCCGCCGCGTTT-3'

ClinVar aggregate classification (germline): Pathogenic. Review status: reviewed by expert panel (3 of 4 stars). 3 submissions from 3 submitters: Pathogenic (1). 2 of the submissions do not count toward it. Last evaluated 2026-10-27.

Conditions:
Congenital glaucoma. Identifiers: MedGen C0020302, MONDO:0020366.
CYP1B1-related glaucoma with or without anterior segment dysgenesis. Identifiers: MedGen CN375931, MONDO:0800472.
Glaucoma 3A. Also called: Glaucoma 3, primary congenital, A. Identifiers: Orphanet 98976, Orphanet 98977, MedGen C1856439, MONDO:0009277, OMIM 231300.
Anterior segment dysgenesis 6 (ASGD6). Also called: Anterior segment dysgenesis 6, multiple subtypes. Identifiers: MedGen C4310623, MONDO:0015016, OMIM 617315.

Submissions (3):

ClinGen Glaucoma Variant Curation Expert Panel
Classification: Pathogenic for CYP1B1-related glaucoma with or without anterior segment dysgenesis. Last evaluated: 2026-10-27. Review status: reviewed by expert panel. Criteria: ClinGen Glaucoma ACMG Specifications CYP1B1 V2.0. Collection method: curation. Allele origin: germline. Inheritance: Autosomal recessive inheritance.
Comment: The c.243C>G variant in CYP1B1 is predicted to cause a change in the length of the protein due to the insertion of a terminating codon instead of the usual Tyrosine at amino acid 81 (p.Tyr81Ter). This variant was not found in any genetic ancestry group of gnomAD (v4.1), meeting the ≤ 0.0005 threshold set for PM2_Supporting in a genetic ancestry group of at least 2,000 alleles. This nonsense variant was predicted to undergo NMD, meeting PVS1. There was no functional evidence predicting a damaging or benign impact of this variant on CYP1B1 function. This variant has been identified in 2 individuals with a CYP1B1-related phenotype. These individuals are compound heterozygous for the variant and a pathogenic variant (phase unknown) (PMID: 21850185). Total proband points = 1, meeting PM3. In summary, this variant met the criteria to receive a score of 10 and to be classified as pathogenic (pathogenic classification ≥ 10, adapted from PMID: 32720330) for CYP1B1-related glaucoma with or without anterior segment dysgenesis (ASD) based on the ACMG/AMP criteria met, as specified by the ClinGen Glaucoma VCEP (v2.0, 16.07.2026): PVS1, PM3, PM2_Supporting

Fulgent Genetics
Classification: Pathogenic for Glaucoma 3A; Anterior segment dysgenesis 6. Last evaluated: 2024-04-11. Review status: criteria provided, single submitter. Criteria: ACMG Guidelines, 2015. Collection method: clinical testing. Allele origin: germline. Not counted in ClinVar's aggregate classification.

Labcorp Genetics (formerly Invitae), Labcorp
Classification: Pathogenic for Congenital glaucoma. Last evaluated: 2023-07-19. Review status: criteria provided, single submitter. Criteria: Invitae Variant Classification Sherloc (09022015). Collection method: clinical testing. Allele origin: germline. Not counted in ClinVar's aggregate classification.
Comment: This premature translational stop signal has been observed in individual(s) with primary congenital glaucoma (PMID: 17591938, 22942166, 28425089). This variant is not present in population databases (gnomAD no frequency). This sequence change creates a premature translational stop signal (p.Tyr81*) in the CYP1B1 gene. It is expected to result in an absent or disrupted protein product. Loss-of-function variants in CYP1B1 are known to be pathogenic (PMID: 9097971, 9497261, 19234632). For these reasons, this variant has been classified as Pathogenic.

Literature cited by the submitters: PubMed 17591938 (cited by Labcorp Genetics (formerly Invitae), Labcorp); PubMed 22942166 (cited by Labcorp Genetics (formerly Invitae), Labcorp); PubMed 28425089 (cited by Labcorp Genetics (formerly Invitae), Labcorp); PubMed 9097971 (cited by Labcorp Genetics (formerly Invitae), Labcorp); PubMed 9497261 (cited by Labcorp Genetics (formerly Invitae), Labcorp); PubMed 19234632 (cited by Labcorp Genetics (formerly Invitae), Labcorp).